The following is an entry in ClinVar:

ClinVar aggregate classification (germline): Conflicting classifications of pathogenicity. Review status: criteria provided, conflicting classifications (1 of 4 stars). 3 submissions from 3 submitters: Uncertain significance (2); Likely benign (1). Last evaluated 2026-01-14.

Conditions:
Hereditary insensitivity to pain with anhidrosis (CIPA). Also called: HSAN Type IV; INSENSITIVITY TO PAIN, CONGENITAL, WITH ANHIDROSIS; FAMILIAL DYSAUTONOMIA, TYPE II; hereditary sensory and autonomic neuropathy type 4; NTRK1 Congenital Insensitivity to Pain with Anhidrosis; NEUROPATHY, CONGENITAL SENSORY, WITH ANHIDROSIS. Identifiers: Orphanet 642, MedGen C0020074, MONDO:0009746, OMIM 256800.
Inborn genetic diseases. Identifiers: MedGen C0950123, MeSH D030342.

Submissions (3):

Labcorp Genetics (formerly Invitae), Labcorp
Classification: Likely benign for Hereditary insensitivity to pain with anhidrosis. Last evaluated: 2026-01-14. Review status: criteria provided, single submitter. Criteria: Invitae Variant Classification Sherloc (09022015). Collection method: clinical testing. Allele origin: germline.

CeGaT Center for Human Genetics Tuebingen
Classification: Uncertain significance. Last evaluated: 2023-07-01. Review status: criteria provided, single submitter. Criteria: CeGaT Center For Human Genetics Tuebingen Variant Classification Criteria Version 2. Collection method: clinical testing. Allele origin: germline. Affected: yes. Observed: 1 variant allele.
Comment: NTRK1: PM2, BP4

Ambry Genetics
Classification: Uncertain significance for Inborn genetic diseases. Last evaluated: 2021-12-13. Review status: criteria provided, single submitter. Criteria: Ambry Variant Classification Scheme 2023. Collection method: clinical testing. Allele origin: germline.
Comment: The c.429-3delC intronic variant, located in intron 4 of the NTRK1 gene, results from a deletion of one nucleotide within intron 4 of the NTRK1 gene. This nucleotide position is well conserved in available vertebrate species. In silico splice site analysis predicts that this alteration will not have any significant effect on splicing. Since supporting evidence is limited at this time, the clinical significance of this alteration remains unclear.

NM_002529.4(NTRK1):c.429-3del

Gene: NTRK1 (neurotrophic receptor tyrosine kinase 1; plus strand). Cytogenetic location: 1q23.1.
Variant type: Deletion.
Coding change: c.429-3del on transcript NM_002529.4 (MANE Select); 3 bases into the intron before coding-DNA position 429, one base deleted (C; older notation c.429-3delC).
Molecular consequence: intron variant.
Genome position (GRCh38, 1-based): chr1:156,868,101, C deleted; the last of 6 consecutive C bases (chr1:156,868,096-156,868,101); deleting any one gives the same sequence. VCF-style (leftmost placement, unchanged base first): chr1-156868095-GC-G. GRCh37 (hg19) VCF-style: chr1-156837887-GC-G.
Other names: c.339-3del (NM_001007792.1); c.429-3del (NM_001012331.2).
Identifiers: ClinVar variation 1129501 (VCV001129501.35), dbSNP rs766806139, ClinGen allele CA526499311.